The following is an entry in ClinVar:

NM_001395891.1(CLASP1):c.1302G>A (p.Arg434=)

Gene: CLASP1 (cytoplasmic linker associated protein 1; minus strand). Cytogenetic location: 2q14.2.
Variant type: single nucleotide variant.
Coding change: c.1302G>A on transcript NM_001395891.1 (MANE Select); coding-DNA position 1302, G replaced by A.
Protein change: p.Arg434=; no amino-acid change (arginine 434 retained).
Molecular consequence: synonymous variant.
Genome position (GRCh38, 1-based): chr2:121,458,852, C>T on the plus strand (G>A on the coding strand, the complement: CLASP1 is on the minus strand). VCF-style: chr2-121458852-C-T. GRCh37 (hg19) VCF-style: chr2-122216428-C-T.
Other names: c.1302G>A, p.Arg434= (NM_001142273.2, NM_001142274.2, NM_001207051.2 and 4 more transcripts).
Identifiers: ClinVar variation 3034723 (VCV003034723.2), dbSNP rs368563172, ClinGen allele CA1854313.

ClinVar aggregate classification (germline): Likely benign (0 of 4 stars; one submission).

Conditions:
CLASP1-related disorder. Also called: CLASP1-related condition.

Allele frequency attached by ClinVar (database versions not stated): gnomAD 0.00003; ExAC 0.00004; gnomAD exomes 0.00005; TOPMed 0.00005; ESP Exome Variant Server 0.00008; 1000 Genomes Project 30x 0.00016; 1000 Genomes Project 0.00020.
gnomAD v4.1: 86 of 1,607,540 alleles (0.0053%); highest among the groups gnomAD compares: Middle Eastern, 0.12%; 1 homozygote.

Submission:

PreventionGenetics, part of Exact Sciences
Classification: Likely benign for CLASP1-related condition. Last evaluated: 2019-08-06. Review status: no assertion criteria provided. Collection method: clinical testing. Allele origin: germline.
Comment: This variant is classified as likely benign based on ACMG/AMP sequence variant interpretation guidelines (Richards et al. 2015 PMID: 25741868, with internal and published modifications).